The following is an entry in ClinVar:

NM_000077.5(CDKN2A):c.81G>T (p.Glu27Asp)

Gene: CDKN2A (cyclin dependent kinase inhibitor 2A; minus strand). Cytogenetic location: 9p21.3.
Variant type: single nucleotide variant.
Coding change: c.81G>T on transcript NM_000077.5; coding-DNA position 81, G replaced by T.
Protein change: p.Glu27Asp; replaces glutamic acid 27 with aspartic acid.
Molecular consequence: missense variant (on NM_000077.6). On other transcripts: intron variant (2).
Genome position (GRCh38, 1-based): chr9:21,974,747, C>A on the plus strand (G>T on the coding strand, the complement: CDKN2A is on the minus strand). VCF-style: chr9-21974747-C-A. GRCh37 (hg19) VCF-style: chr9-21974746-C-A.
Other names: c.81G>T, p.Glu27Asp (NM_000077.6, NM_001195132.2, NM_058197.5); c.-3-3539G>T (NM_001363763.2); c.194-3539G>T (NM_058195.4); short protein forms E27D.
Identifiers: ClinVar variation 949317 (VCV000949317.11), dbSNP rs1060504184, ClinGen allele CA373086595.

ClinVar aggregate classification (germline): Uncertain significance. Review status: criteria provided, multiple submitters, no conflicts (2 of 4 stars). 3 submissions from 3 submitters: Uncertain significance (3). Last evaluated 2025-02-25.

Conditions:
Familial melanoma. Also called: Hereditary melanoma; Hereditary cutaneous melanoma. Identifiers: Orphanet 618, MedGen C1512419, MONDO:0018961.
Hereditary cancer-predisposing syndrome. Also called: Hereditary neoplastic syndrome; Hereditary Cancer Syndrome; Neoplastic Syndromes, Hereditary; Tumor predisposition. Identifiers: Orphanet 140162, MedGen C0027672, MeSH D009386, MONDO:0015356.

Allele frequency attached by ClinVar (database versions not stated): TOPMed below 0.00001; gnomAD 0.00001.

Submissions (3):

Ambry Genetics
Classification: Uncertain significance for Hereditary cancer-predisposing syndrome. Last evaluated: 2025-02-25. Review status: criteria provided, single submitter. Criteria: Ambry Variant Classification Scheme 2023. Collection method: clinical testing. Allele origin: germline.
Comment: The p.E27D variant (also known as c.81G>T), located in coding exon 1 of the CDKN2A gene, results from a G to T substitution at nucleotide position 81. The glutamic acid at codon 27 is replaced by aspartic acid, an amino acid with highly similar properties. This amino acid position is not well conserved in available vertebrate species. In addition, this alteration is predicted to be tolerated by in silico analysis. Based on the available evidence, the clinical significance of this variant remains unclear.

GeneDx
Classification: Uncertain significance. Last evaluated: 2023-03-07. Review status: criteria provided, single submitter. Criteria: GeneDx Variant Classification Process June 2021. Collection method: clinical testing. Allele origin: germline. Affected: yes.
Comment: Not observed at significant frequency in large population cohorts (gnomAD); In silico analysis supports that this missense variant does not alter protein structure/function; Has not been previously published as pathogenic or benign to our knowledge

Labcorp Genetics (formerly Invitae), Labcorp
Classification: Uncertain significance for Familial melanoma. Last evaluated: 2019-06-06. Review status: criteria provided, single submitter. Criteria: Invitae Variant Classification Sherloc (09022015). Collection method: clinical testing. Allele origin: germline.
Comment: In summary, the available evidence is currently insufficient to determine the role of this variant in disease. Therefore, it has been classified as a Variant of Uncertain Significance. This sequence change replaces glutamic acid with aspartic acid at codon 27 of the CDKN2A (p16INK4a) protein (p.Glu27Asp). The glutamic acid residue is weakly conserved and there is a small physicochemical difference between glutamic acid and aspartic acid. This variant is not present in population databases (ExAC no frequency). This variant has not been reported in the literature in individuals with CDKN2A (p16INK4a)-related conditions. Algorithms developed to predict the effect of missense changes on protein structure and function (SIFT, PolyPhen-2, Align-GVGD) all suggest that this variant is likely to be tolerated, but these predictions have not been confirmed by published functional studies and their clinical significance is uncertain.